The following is an entry in ClinVar:

ClinVar aggregate classification (germline): Uncertain significance (1 of 4 stars; one submission).

Conditions:
Dilated cardiomyopathy 1AA (CMD1AA). Also called: CARDIOMYOPATHY, DILATED, 1AA, WITH OR WITHOUT LEFT VENTRICULAR NONCOMPACTION; CARDIOMYOPATHY, FAMILIAL HYPERTROPHIC, 23, WITH OR WITHOUT LEFT VENTRICULAR NONCOMPACTION; Cardiomyopathy, dilated, 1AA, with or without LVNC. Identifiers: Orphanet 154, MedGen C2677338, MONDO:0012808, OMIM 612158.
Primary familial hypertrophic cardiomyopathy (HCM). Identifiers: Orphanet 99739, MedGen C0949658, MeSH D024741, MONDO:0024573. Inheritance: Various modes of inheritance.

Allele frequency attached by ClinVar (database versions not stated): ExAC 0.00001; gnomAD exomes 0.00001.
gnomAD v4.1: 6 of 1,614,060 alleles (0.00037%); highest among the groups gnomAD compares: East Asian, 0.0045%; no homozygotes.

Submission:

Labcorp Genetics (formerly Invitae), Labcorp
Classification: Uncertain significance for Primary familial hypertrophic cardiomyopathy; Dilated cardiomyopathy 1AA. Last evaluated: 2025-08-05. Review status: criteria provided, single submitter. Criteria: Invitae Variant Classification Sherloc (09022015). Collection method: clinical testing. Allele origin: germline.
Comment: This sequence change replaces arginine, which is basic and polar, with glutamine, which is neutral and polar, at codon 492 of the ACTN2 protein (p.Arg492Gln). This variant is present in population databases (rs779702876, gnomAD 0.01%). This variant has not been reported in the literature in individuals affected with ACTN2-related conditions. ClinVar contains an entry for this variant (Variation ID: 1061977). Invitae Evidence Modeling of protein sequence and biophysical properties (such as structural, functional, and spatial information, amino acid conservation, physicochemical variation, residue mobility, and thermodynamic stability) indicates that this missense variant is not expected to disrupt ACTN2 protein function with a negative predictive value of 80%. In summary, the available evidence is currently insufficient to determine the role of this variant in disease. Therefore, it has been classified as a Variant of Uncertain Significance.

NM_001103.4(ACTN2):c.1475G>A (p.Arg492Gln)

Gene: ACTN2 (actinin alpha 2; plus strand). Cytogenetic location: 1q43.
Variant type: single nucleotide variant.
Coding change: c.1475G>A on transcript NM_001103.4 (MANE Select); coding-DNA position 1475, G replaced by A.
Protein change: p.Arg492Gln; replaces arginine 492 with glutamine.
Molecular consequence: missense variant.
Genome position (GRCh38, 1-based): chr1:236,747,735, G>A. VCF-style: chr1-236747735-G-A. GRCh37 (hg19) VCF-style: chr1-236911035-G-A.
Other names: c.1475G>A, p.Arg492Gln (NM_001278343.2); c.851G>A, p.Arg284Gln (NM_001278344.2); short protein forms R284Q, R492Q.
Identifiers: ClinVar variation 1061977 (VCV001061977.4), dbSNP rs779702876, ClinGen allele CA1473166.